The following is an entry in ClinVar:

NM_153460.4(IL17RC):c.355+6G>A

Gene: IL17RC (interleukin 17 receptor C; plus strand). Cytogenetic location: 3p25.3.
Variant type: single nucleotide variant.
Coding change: c.355+6G>A on transcript NM_153460.4 (MANE Select); 6 bases into the intron after coding-DNA position 355, G replaced by A.
Molecular consequence: intron variant.
Genome position (GRCh38, 1-based): chr3:9,918,415, G>A. VCF-style: chr3-9918415-G-A. GRCh37 (hg19) VCF-style: chr3-9960099-G-A.
Other names: c.568+6G>A (NM_153461.4); c.355+6G>A (NM_001203263.2, NM_001203264.2, NM_001367278.1 and 3 more transcripts); c.281-85G>A (NM_001367279.1).
Identifiers: ClinVar variation 666091 (VCV000666091.5), dbSNP rs774303260, ClinGen allele CA2246807.

ClinVar aggregate classification (germline): Uncertain significance (1 of 4 stars; one submission).

Conditions:
Candidiasis, familial, 9 (CANDF9). Identifiers: Orphanet 1334, MedGen C4225324, MONDO:0014642, OMIM 616445.

Allele frequency attached by ClinVar (database versions not stated): gnomAD exomes below 0.00001; ExAC 0.00001.

Submission:

Labcorp Genetics (formerly Invitae), Labcorp
Classification: Uncertain significance for Candidiasis, familial, 9. Last evaluated: 2018-07-19. Review status: criteria provided, single submitter. Criteria: Invitae Variant Classification Sherloc (09022015). Collection method: clinical testing. Allele origin: germline.
Comment: In summary, the available evidence is currently insufficient to determine the role of this variant in disease. Therefore, it has been classified as a Variant of Uncertain Significance. Nucleotide substitutions within the consensus splice site are a relatively common cause of aberrant splicing (PMID: 17576681, 9536098). Algorithms developed to predict the effect of sequence changes on RNA splicing suggest that this variant is not likely to affect RNA splicing, but this prediction has not been confirmed by published transcriptional studies. This variant has not been reported in the literature in individuals with IL17RC-related disease. This variant is present in population databases (rs774303260, ExAC 0.002%). This sequence change falls in intron 4 of the IL17RC gene. It does not directly change the encoded amino acid sequence of the IL17RC protein, but it affects a nucleotide within the consensus splice site of the intron.

Literature cited by the submitters: PubMed 17576681; PubMed 9536098.